The following is an entry in ClinVar:

NC_000006.12:g.(?_65384386)_(65405367_?)dup

Gene: EYS (eyes shut homolog; minus strand). Cytogenetic location: 6q12.
Variant type: Duplication.
Identifiers: ClinVar variation 833129 (VCV000833129.1).

ClinVar aggregate classification (germline): Likely pathogenic (1 of 4 stars; one submission).

Submission:

Labcorp Genetics (formerly Invitae), Labcorp
Classification: Likely pathogenic. Last evaluated: 2020-01-13. Review status: criteria provided, single submitter. Criteria: Invitae Variant Classification Sherloc (09022015). Collection method: clinical testing. Allele origin: germline.
Comment: This variant results in a copy number gain of the genomic region encompassing exons 6-8 of the EYS gene. While the exact position of this variant cannot be determined from this data, sub-genic copy number gains are generally in tandem (PMID: 25640679) and may result in an absent or disrupted protein product. This variant has not been reported in the literature in individuals with EYS-related conditions. Loss-of-function variants in EYS are known to be pathogenic (PMID: 18836446, 20333770). In summary, the currently available evidence indicates that the variant is pathogenic, but additional data are needed to prove that conclusively. Therefore, this variant has been classified as Likely Pathogenic.